The following is an entry in ClinVar:

ClinVar aggregate classification (germline): Conflicting classifications of pathogenicity. Review status: criteria provided, conflicting classifications (1 of 4 stars). 3 submissions from 3 submitters: Pathogenic (1); Likely pathogenic (1); Uncertain significance (1). Last evaluated 2026-02-14.

Conditions:
Laryngo-onycho-cutaneous syndrome (JEB2C). Also called: LOGIC SYNDROME; SHABBIR SYNDROME; EPIDERMOLYSIS BULLOSA, JUNCTIONAL 2C, LARYNGOONYCHOCUTANEOUS. Identifiers: Orphanet 2407, MedGen C1328355, MONDO:0009513, OMIM 245660.
Epidermolysis bullosa, junctional 2A, intermediate. Also called: EPIDERMOLYSIS BULLOSA, JUNCTIONAL 2A, GENERALIZED INTERMEDIATE; EPIDERMOLYSIS BULLOSA, JUNCTIONAL 2A, NON-HERLITZ TYPE. Identifiers: MedGen C5676936, MONDO:0030746, OMIM 619783.
Epidermolysis bullosa, junctional 2B, severe. Also called: EPIDERMOLYSIS BULLOSA, JUNCTIONAL 2B, GENERALIZED SEVERE; EPIDERMOLYSIS BULLOSA, JUNCTIONAL 2B, HERLITZ TYPE. Identifiers: MedGen C5676937, MONDO:0030747, OMIM 619784.
LAMA3-related disorder. Also called: LAMA3-related disorders; LAMA3-related condition.

gnomAD v4.1: 20 of 1,613,702 alleles (0.0012%); highest among the groups gnomAD compares: Admixed American, 0.0017%; no homozygotes.

Submissions (3):

PreventionGenetics, part of Exact Sciences
Classification: Uncertain significance for LAMA3-related condition. Last evaluated: 2026-02-14. Review status: criteria provided, single submitter. Criteria: ACMG Guidelines, 2015. Collection method: clinical testing. Allele origin: germline.
Comment: The LAMA3 c.3216G>A variant is not predicted to result in an amino acid change (p.=). This variant occurs at the last nucleotide of the exon and is predicted to alter splicing based on available splicing prediction programs (SpliceAI, Jaganathan et al. 2019. PubMed ID: 30661751). However, the use of computer prediction programs is not equivalent to functional evidence. This variant has been reported as uncertain and in the homozygous state in an individual with generalized severe junctional epidermolysis bullosa (Table S1, Vahidnezhad et al. 2017. PubMed ID: 28830826; same patient also reported in Table S1, Youssefian et al. 2021. PubMed ID: 33969388). This variant is reported in 0.0029% of alleles in individuals of Latino descent in gnomAD. Although we suspect that this variant may be pathogenic, at this time, the clinical significance of this variant is uncertain due to the absence of conclusive functional and genetic evidence.

Labcorp Genetics (formerly Invitae), Labcorp
Classification: Pathogenic. Last evaluated: 2025-04-10. Review status: criteria provided, single submitter. Criteria: Invitae Variant Classification Sherloc (09022015). Collection method: clinical testing. Allele origin: germline.
Comment: This sequence change affects codon 1072 of the LAMA3 mRNA. It is a 'silent' change, meaning that it does not change the encoded amino acid sequence of the LAMA3 protein. This variant also falls at the last nucleotide of exon 24, which is part of the consensus splice site for this exon. This variant is present in population databases (no rsID available, gnomAD 0.003%). This variant has been observed in individual(s) with junctional epidermolysis bullosa (PMID: 28830826, 33969388, 35196767). In at least one individual the data is consistent with being in trans (on the opposite chromosome) from a pathogenic variant. ClinVar contains an entry for this variant (Variation ID: 3583199). Variants that disrupt the consensus splice site are a relatively common cause of aberrant splicing (PMID: 17576681, 9536098). Algorithms developed to predict the effect of sequence changes on RNA splicing suggest that this variant may disrupt the consensus splice site. For these reasons, this variant has been classified as Pathogenic.

Fulgent Genetics
Classification: Likely pathogenic for Laryngo-onycho-cutaneous syndrome; Epidermolysis bullosa, junctional 2A, intermediate; Epidermolysis bullosa, junctional 2B, severe. Last evaluated: 2024-01-30. Review status: criteria provided, single submitter. Criteria: ACMG Guidelines, 2015. Collection method: clinical testing. Allele origin: germline.

Literature cited by the submitters: PubMed 28830826 (cited by Labcorp Genetics (formerly Invitae), Labcorp); PubMed 33969388 (cited by Labcorp Genetics (formerly Invitae), Labcorp); PubMed 35196767 (cited by Labcorp Genetics (formerly Invitae), Labcorp); PubMed 17576681 (cited by Labcorp Genetics (formerly Invitae), Labcorp); PubMed 9536098 (cited by Labcorp Genetics (formerly Invitae), Labcorp).

NM_198129.4(LAMA3):c.8043G>A (p.Ser2681=)

Gene: LAMA3 (laminin subunit alpha 3; plus strand). Cytogenetic location: 18q11.2.
Variant type: single nucleotide variant.
Coding change: c.8043G>A on transcript NM_198129.4 (MANE Select); coding-DNA position 8043, G replaced by A.
Protein change: p.Ser2681=; no amino-acid change (serine 2681 retained).
Molecular consequence: synonymous variant.
Genome position (GRCh38, 1-based): chr18:23,921,054, G>A. VCF-style: chr18-23921054-G-A. GRCh37 (hg19) VCF-style: chr18-21501018-G-A.
Other names: c.3216G>A (NM_000227.4); c.3216G>A, p.Ser1072= (NM_000227.6); c.7875G>A, p.Ser2625= (NM_001127717.4); c.3048G>A, p.Ser1016= (NM_001127718.4).
Identifiers: ClinVar variation 3583199 (VCV003583199.3).
Genomic context (GRCh38, chr18:23,921,054, plus strand): 5'-TTCAGAGCTACCAAAAGAGAGAGGAGTTGGAGACGCCATAAACAACGGCAGAGACCATTC[G>A]GTACACCTTTTGAGTCTGTTTACTTGAATCGTTAAATGTCCTTAGTCCTTTAAAATTAAG-3'
Protein context (NP_937762.2, residues 2671-2691): GDAINNGRDH[Ser2681=]IQIKIGKLQK